The following is an entry in ClinVar:

ClinVar aggregate classification (germline): Uncertain significance (1 of 4 stars; one submission).

Submission:

Labcorp Genetics (formerly Invitae), Labcorp
Classification: Uncertain significance. Last evaluated: 2022-10-13. Review status: criteria provided, single submitter. Criteria: Invitae Variant Classification Sherloc (09022015). Collection method: clinical testing. Allele origin: germline.
Comment: This variant has not been reported in the literature in individuals affected with FLVCR1-related conditions. This sequence change replaces threonine, which is neutral and polar, with asparagine, which is neutral and polar, at codon 90 of the FLVCR1 protein (p.Thr90Asn). This variant is not present in population databases (gnomAD no frequency). Algorithms developed to predict the effect of missense changes on protein structure and function (SIFT, PolyPhen-2, Align-GVGD) all suggest that this variant is likely to be tolerated. In summary, the available evidence is currently insufficient to determine the role of this variant in disease. Therefore, it has been classified as a Variant of Uncertain Significance.

NM_014053.4(FLVCR1):c.269C>A (p.Thr90Asn)

Genes: FLVCR1 (FLVCR choline and heme transporter 1; plus strand), LOC129932486 (ATAC-STARR-seq lymphoblastoid silent region 1807; plus strand). Cytogenetic location: 1q32.3.
Variant type: single nucleotide variant.
Coding change: c.269C>A on transcript NM_014053.4 (MANE Select); coding-DNA position 269, C replaced by A.
Protein change: p.Thr90Asn; replaces threonine 90 with asparagine.
Molecular consequence: missense variant.
Genome position (GRCh38, 1-based): chr1:212,858,721, C>A. VCF-style: chr1-212858721-C-A. GRCh37 (hg19) VCF-style: chr1-213032063-C-A.
Other names: short protein forms T90N.
Identifiers: ClinVar variation 2111561 (VCV002111561.4), dbSNP rs2464383857, ClinGen allele CA344795703.
Genomic context (GRCh38, chr1:212,858,721, plus strand): 5'-CACTGGCCCCAGAAGAGGAGACCCAGGCCCGGCTGCTGCCTGCGGGCGCGGGAGCTGAGA[C>A]CCCGGGGGCCGAGAGCAGCCCGCTGCCCCTTACGGCGCTCTCCCCGCGGCGCTTCGTGGT-3'
Protein context (NP_054772.1, residues 80-100): RLLPAGAGAE[Thr90Asn]PGAESSPLPL